The following is an entry in ClinVar:

NM_001754.5(RUNX1):c.1334G>C (p.Ser445Thr)

Gene: RUNX1 (RUNX family transcription factor 1; minus strand). Cytogenetic location: 21q22.12.
Variant type: single nucleotide variant.
Coding change: c.1334G>C on transcript NM_001754.5 (MANE Select); coding-DNA position 1334, G replaced by C.
Protein change: p.Ser445Thr; replaces serine 445 with threonine.
Molecular consequence: missense variant.
Genome position (GRCh38, 1-based): chr21:34,792,244, C>G on the plus strand (G>C on the coding strand, the complement: RUNX1 is on the minus strand). VCF-style: chr21-34792244-C-G. GRCh37 (hg19) VCF-style: chr21-36164541-C-G.
Other names: c.1253G>C, p.Ser418Thr (NM_001001890.3); short protein forms S445T, S418T.
Identifiers: ClinVar variation 4843719 (VCV004843719.1).

ClinVar aggregate classification (germline): Uncertain significance (1 of 4 stars; one submission).

Conditions:
Inborn genetic diseases. Identifiers: MedGen C0950123, MeSH D030342.

Submission:

Ambry Genetics
Classification: Uncertain significance for Inborn genetic diseases. Last evaluated: 2026-01-14. Review status: criteria provided, single submitter. Criteria: Ambry Variant Classification Scheme 2023. Collection method: clinical testing. Allele origin: germline.
Comment: The p.S445T variant (also known as c.1334G>C), located in coding exon 8 of the RUNX1 gene, results from a G to C substitution at nucleotide position 1334. The serine at codon 445 is replaced by threonine, an amino acid with similar properties. This amino acid position is conserved. In addition, this alteration is predicted to be tolerated by in silico analysis. Based on the available evidence, the clinical significance of this variant remains unclear.